The following is an entry in ClinVar:

ClinVar aggregate classification (germline): Likely pathogenic. Review status: criteria provided, single submitter (1 of 4 stars). 2 submissions from 2 submitters: Likely pathogenic (1). 1 of the submissions does not count toward it. Last evaluated 2021-10-10.

Conditions:
Nemaline myopathy 2 (NEM2). Also called: Nemaline myopathy 2, autosomal recessive. Identifiers: MedGen C1850569, MONDO:0009725, OMIM 256030.

Submissions (2):

Labcorp Genetics (formerly Invitae), Labcorp
Classification: Likely pathogenic for Nemaline myopathy 2. Last evaluated: 2021-10-10. Review status: criteria provided, single submitter. Criteria: Invitae Variant Classification Sherloc (09022015). Collection method: clinical testing. Allele origin: germline.
Comment: In summary, the currently available evidence indicates that the variant is pathogenic, but additional data are needed to prove that conclusively. Therefore, this variant has been classified as Likely Pathogenic. Algorithms developed to predict the effect of sequence changes on RNA splicing suggest that this variant may disrupt the consensus splice site. ClinVar contains an entry for this variant (Variation ID: 558368). This variant has not been reported in the literature in individuals affected with NEB-related conditions. This variant is not present in population databases (ExAC no frequency). This sequence change affects a splice site in intron 44 of the NEB gene. It is expected to disrupt RNA splicing. Variants that disrupt the donor or acceptor splice site typically lead to a loss of protein function (PMID: 16199547), and loss-of-function variants in NEB are known to be pathogenic (PMID: 25205138).

Counsyl
Classification: Likely pathogenic for Nemaline myopathy 2. Last evaluated: 2018-05-16. Review status: no assertion criteria provided. Collection method: clinical testing. Allele origin: unknown. Not counted in ClinVar's aggregate classification.

Literature cited by the submitters: PubMed 16199547 (cited by Labcorp Genetics (formerly Invitae), Labcorp); PubMed 25205138 (cited by Labcorp Genetics (formerly Invitae), Labcorp).

NM_001164508.2(NEB):c.5451+2_5451+11del

Gene: NEB (nebulin; minus strand). Cytogenetic location: 2q23.3.
Variant type: Deletion.
Coding change: c.5451+2_5451+11del on transcript NM_001164508.2 (MANE Select); the canonical splice donor site of the intron after coding-DNA position 5451 through 11 bases into the intron after coding-DNA position 5451, 10 bases deleted (TAAGTGCTTG; older notation c.5451+2_5451+11delTAAGTGCTTG).
Molecular consequence: splice donor variant.
Genome position (GRCh38, 1-based): chr2:151,664,490-151,664,499, CAAGCACTTA deleted on the plus strand (TAAGTGCTTG on the coding strand, the reverse complement: NEB is on the minus strand); deleting any 10 consecutive bases within chr2:151,664,490-151,664,501 gives the same sequence; the c. name uses the placement nearest the transcript's 3' end. VCF-style (leftmost placement, unchanged base first): chr2-151664489-GCAAGCACTTA-G. GRCh37 (hg19) VCF-style: chr2-152521003-GCAAGCACTTA-G.
Other names: c.5451+2_5451+11del (NM_004543.5, NM_001164507.2, NM_001271208.2).
Identifiers: ClinVar variation 558368 (VCV000558368.7), dbSNP rs1553487838, ClinGen allele CA658822226.